The following is an entry in ClinVar:

NM_000875.5(IGF1R):c.1976G>A (p.Arg659Gln)

Gene: IGF1R (insulin like growth factor 1 receptor; plus strand). Cytogenetic location: 15q26.3.
Variant type: single nucleotide variant.
Coding change: c.1976G>A on transcript NM_000875.5 (MANE Select); coding-DNA position 1976, G replaced by A.
Protein change: p.Arg659Gln; replaces arginine 659 with glutamine.
Molecular consequence: missense variant.
Genome position (GRCh38, 1-based): chr15:98,916,111, G>A. VCF-style: chr15-98916111-G-A. GRCh37 (hg19) VCF-style: chr15-99459340-G-A.
Other names: c.1976G>A, p.Arg659Gln (NM_001291858.2); short protein forms R659Q.
Identifiers: ClinVar variation 884758 (VCV000884758.21), dbSNP rs45451896, ClinGen allele CA7752253.

ClinVar aggregate classification (germline): Conflicting classifications of pathogenicity. Review status: criteria provided, conflicting classifications (1 of 4 stars). 3 submissions from 3 submitters: Uncertain significance (1); Likely benign (2). Last evaluated 2026-02-02.

Conditions:
Growth delay due to insulin-like growth factor I resistance. Also called: Insulin-Like Growth Factor I Resistance; Somatomedin end-organ insensitivity to; Somatomedin-c resistance to; IGF-1 resistance; IGF-I RESISTANCE. Identifiers: Orphanet 73273, MedGen C1849157, MONDO:0010038, OMIM 270450.

Allele frequency attached by ClinVar (database versions not stated): TOPMed 0.00029; gnomAD exomes 0.00032; 1000 Genomes Project 0.00040; ESP Exome Variant Server 0.00046; 1000 Genomes Project 30x 0.00047.

Submissions (3):

Labcorp Genetics (formerly Invitae), Labcorp
Classification: Likely benign. Last evaluated: 2026-02-02. Review status: criteria provided, single submitter. Criteria: Invitae Variant Classification Sherloc (09022015). Collection method: clinical testing. Allele origin: germline.

CeGaT Center for Human Genetics Tuebingen
Classification: Likely benign. Last evaluated: 2025-04-01. Review status: criteria provided, single submitter. Criteria: CeGaT Center For Human Genetics Tuebingen Variant Classification Criteria Version 2. Collection method: clinical testing. Allele origin: germline. Affected: yes. Observed: 1 variant allele.
Comment: IGF1R: BP4, BS1

Illumina Laboratory Services, Illumina
Classification: Uncertain significance for Growth delay due to insulin-like growth factor I resistance. Last evaluated: 2017-04-27. Review status: criteria provided, single submitter. Criteria: ICSL Variant Classification Criteria 13 December 2019. Collection method: clinical testing. Allele origin: germline.